The following is an entry in ClinVar:

ClinVar aggregate classification (germline): Benign/Likely benign. Review status: criteria provided, multiple submitters, no conflicts (2 of 4 stars). 4 submissions from 4 submitters: Benign (1); Likely benign (3). Last evaluated 2026-01-28.

Conditions:
LAMA2-related muscular dystrophy (LAMA2-RD). Also called: Laminin alpha 2-related dystrophy. Identifiers: MedGen C5679788, MONDO:0100228.

Allele frequency attached by ClinVar (database versions not stated): TOPMed 0.00001; gnomAD 0.00003; 1000 Genomes Project 30x 0.00016; 1000 Genomes Project 0.00020.
gnomAD v4.1: 144 of 1,614,124 alleles (0.0089%); highest among the groups gnomAD compares: South Asian, 0.12%; 1 homozygote.

Submissions (4):

Labcorp Genetics (formerly Invitae), Labcorp
Classification: Benign for LAMA2-related muscular dystrophy. Last evaluated: 2026-01-28. Review status: criteria provided, single submitter. Criteria: Invitae Variant Classification Sherloc (09022015). Collection method: clinical testing. Allele origin: germline.

Blueprint Genetics
Classification: Likely benign. Last evaluated: 2024-02-09. Review status: criteria provided, single submitter. Criteria: ACMG Guidelines, 2015. Collection method: clinical testing. Allele origin: germline.

CeGaT Center for Human Genetics Tuebingen
Classification: Likely benign. Last evaluated: 2024-01-01. Review status: criteria provided, single submitter. Criteria: CeGaT Center For Human Genetics Tuebingen Variant Classification Criteria Version 2. Collection method: clinical testing. Allele origin: germline. Affected: yes. Observed: 1 variant allele.
Comment: LAMA2: BP4, BP7

Genetic Services Laboratory, University of Chicago
Classification: Likely benign. Last evaluated: 2016-08-09. Review status: criteria provided, single submitter. Criteria: ACMG Guidelines, 2015. Collection method: clinical testing. Allele origin: germline. Affected: no.

NM_000426.4(LAMA2):c.5382A>G (p.Thr1794=)

Gene: LAMA2 (laminin subunit alpha 2; plus strand). Cytogenetic location: 6q22.33.
Variant type: single nucleotide variant.
Coding change: c.5382A>G on transcript NM_000426.4 (MANE Select); coding-DNA position 5382, A replaced by G.
Protein change: p.Thr1794=; no amino-acid change (threonine 1794 retained).
Molecular consequence: synonymous variant.
Genome position (GRCh38, 1-based): chr6:129,393,192, A>G. VCF-style: chr6-129393192-A-G. GRCh37 (hg19) VCF-style: chr6-129714337-A-G.
Other names: c.5382A>G, p.Thr1794= (NM_001079823.2).
Identifiers: ClinVar variation 435706 (VCV000435706.39), dbSNP rs565429072, ClinGen allele CA3993859.